The following is an entry in ClinVar:

NM_003055.3(SLC18A3):c.479_480delinsTT (p.Gly160Val)

Genes: SLC18A3 (solute carrier family 18 member A3; plus strand), CHAT (choline O-acetyltransferase; plus strand). Cytogenetic location: 10q11.23.
Variant type: Indel.
Coding change: c.479_480delinsTT on transcript NM_003055.3 (MANE Select); coding-DNA positions 479 to 480, GC replaced by TT.
Protein change: p.Gly160Val; replaces glycine 160 with valine.
Molecular consequence: missense variant. On other transcripts: intron variant (1).
Genome position (GRCh38, 1-based): chr10:49,611,219-49,611,220, GC replaced by TT. VCF-style: chr10-49611219-GC-TT. GRCh37 (hg19) VCF-style: chr10-50819265-GC-TT.
Other names: c.-69+2020_-69+2021delinsTT (NM_020984.4); short protein forms G160V.
Identifiers: ClinVar variation 1392036 (VCV001392036.7), dbSNP rs2132686512, ClinGen allele CA2573145177.

ClinVar aggregate classification (germline): Uncertain significance (1 of 4 stars; one submission).

Submission:

Labcorp Genetics (formerly Invitae), Labcorp
Classification: Uncertain significance. Last evaluated: 2024-02-17. Review status: criteria provided, single submitter. Criteria: Invitae Variant Classification Sherloc (09022015). Collection method: clinical testing. Allele origin: germline.
Comment: This sequence change replaces glycine, which is neutral and non-polar, with valine, which is neutral and non-polar, at codon 160 of the SLC18A3 protein (p.Gly160Val). Information on the frequency of this variant in the gnomAD database is not available, as this variant may be reported differently in the database. This variant has not been reported in the literature in individuals affected with SLC18A3-related conditions. ClinVar contains an entry for this variant (Variation ID: 1392036). An algorithm developed to predict the effect of missense changes on protein structure and function (PolyPhen-2) suggests that this variant is likely to be tolerated. In summary, the available evidence is currently insufficient to determine the role of this variant in disease. Therefore, it has been classified as a Variant of Uncertain Significance.